The following is an entry in ClinVar:

ClinVar aggregate classification (germline): Uncertain significance (1 of 4 stars; one submission).

Allele frequency attached by ClinVar (database versions not stated): gnomAD exomes below 0.00001; gnomAD 0.00001; TOPMed 0.00001.
gnomAD v4.1: 2 of 1,537,126 alleles (0.00013%); highest among the groups gnomAD compares: Non-Finnish European, 0.00017%; no homozygotes.

Submission:

GeneDx
Classification: Uncertain significance. Last evaluated: 2019-03-15. Review status: criteria provided, single submitter. Criteria: GeneDx Variant Classification Process June 2021. Collection method: clinical testing. Allele origin: germline. Affected: yes.
Comment: Not observed in large population cohorts (Lek et al., 2016); In silico analysis, which includes protein predictors and evolutionary conservation, supports a deleterious effect; Has not been previously published as pathogenic or benign to our knowledge

NM_001292063.2(OTOG):c.2740G>A (p.Gly914Ser)

Gene: OTOG (otogelin; plus strand). Cytogenetic location: 11p15.1.
Variant type: single nucleotide variant.
Coding change: c.2740G>A on transcript NM_001292063.2 (MANE Select); coding-DNA position 2740, G replaced by A.
Protein change: p.Gly914Ser; replaces glycine 914 with serine.
Molecular consequence: missense variant.
Genome position (GRCh38, 1-based): chr11:17,578,507, G>A. VCF-style: chr11-17578507-G-A. GRCh37 (hg19) VCF-style: chr11-17600054-G-A.
Other names: c.2776G>A, p.Gly926Ser (NM_001277269.2); short protein forms G914S, G926S.
Identifiers: ClinVar variation 1196452 (VCV001196452.2), dbSNP rs1429660705, ClinGen allele CA379776412.
Genomic context (GRCh38, chr11:17,578,507, plus strand): 5'-AGGACGTGTGAGCAGCAACTGCTGAACCTGAGCGTGTCAGCCCGTGGCCCCTGCCTCTCG[G>A]GCTGCGCCTGTCCCCAGGGGTAAGTACCCATGGTGTCGTGGGCCCGTGATCCTGAAGGCT-3'
Protein context (NP_001278992.1, residues 904-924): SVSARGPCLS[Gly914Ser]CACPQGLLRH